The following is an entry in ClinVar:

ClinVar aggregate classification (germline): Uncertain significance (1 of 4 stars; one submission).

Conditions:
Hereditary cancer-predisposing syndrome. Also called: Tumor predisposition; Neoplastic Syndromes, Hereditary; Hereditary neoplastic syndrome; Hereditary Cancer Syndrome. Identifiers: Orphanet 140162, MedGen C0027672, MeSH D009386, MONDO:0015356.

Submission:

Ambry Genetics
Classification: Uncertain significance for Hereditary cancer-predisposing syndrome. Last evaluated: 2025-08-27. Review status: criteria provided, single submitter. Criteria: Ambry Variant Classification Scheme 2023. Collection method: clinical testing. Allele origin: germline.
Comment: The p.Q414H variant (also known as c.1242G>C), located in coding exon 13 of the MUTYH gene, results from a G to C substitution at nucleotide position 1242. The glutamine at codon 414 is replaced by histidine, an amino acid with highly similar properties. This amino acid position is conserved. In addition, this alteration is predicted to be tolerated by in silico analysis. Based on the available evidence, the clinical significance of this variant remains unclear.

NM_001048174.2(MUTYH):c.1158G>C (p.Gln386His)

Gene: MUTYH (mutY DNA glycosylase; minus strand). Cytogenetic location: 1p34.1.
Variant type: single nucleotide variant.
Coding change: c.1158G>C on transcript NM_001048174.2 (MANE Select); coding-DNA position 1158, G replaced by C.
Protein change: p.Gln386His; replaces glutamine 386 with histidine.
Molecular consequence: missense variant. On other transcripts: non-coding transcript variant (7).
Genome position (GRCh38, 1-based): chr1:45,331,501, C>G on the plus strand (G>C on the coding strand, the complement: MUTYH is on the minus strand). VCF-style: chr1-45331501-C-G. GRCh37 (hg19) VCF-style: chr1-45797173-C-G.
Other names: c.1158G>C, p.Gln386His (NM_001048171.2, NM_001048173.2, NM_001293195.2 and 6 more transcripts); c.1161G>C, p.Gln387His (NM_001048172.2, NM_001407071.1, NM_001407078.1 and 1 more transcripts); c.1242G>C, p.Gln414His (NM_001128425.2); c.1203G>C, p.Gln401His (NM_001293190.2); c.1191G>C, p.Gln397His (NM_001293191.2, NM_001407069.1, NM_001407077.1); c.882G>C, p.Gln294His (NM_001293192.2, NM_001293196.2, NM_001407091.1); c.813G>C, p.Gln271His (NM_001350650.2, NM_001350651.2, NM_001407082.1); c.1074G>C, p.Gln358His (NM_001407075.1); and 5 more; short protein forms Q271H, Q294H, Q372H, Q397H, Q400H, Q411H, Q414H, Q387H.
Identifiers: ClinVar variation 4113125 (VCV004113125.1).